The following is an entry in ClinVar:

ClinVar aggregate classification (germline): Uncertain significance (1 of 4 stars; one submission).

Conditions:
Fibrous dysplasia of jaw (CRBM). Also called: Cherubism. Identifiers: Orphanet 184, MedGen C0008029, MONDO:0007315, OMIM 118400.

gnomAD v4.1: 2 of 1,591,958 alleles (0.00013%); highest among the groups gnomAD compares: East Asian, 0.0046%; no homozygotes.

Submission:

Labcorp Genetics (formerly Invitae), Labcorp
Classification: Uncertain significance for Fibrous dysplasia of jaw. Last evaluated: 2025-08-12. Review status: criteria provided, single submitter. Criteria: Invitae Variant Classification Sherloc (09022015). Collection method: clinical testing. Allele origin: germline.
Comment: This sequence change replaces aspartic acid, which is acidic and polar, with tyrosine, which is neutral and polar, at codon 442 of the SH3BP2 protein (p.Asp442Tyr). This variant is present in population databases (no rsID available, gnomAD 0.007%). This variant has not been reported in the literature in individuals affected with SH3BP2-related conditions. Invitae Evidence Modeling of protein sequence and biophysical properties (such as structural, functional, and spatial information, amino acid conservation, physicochemical variation, residue mobility, and thermodynamic stability) indicates that this missense variant is not expected to disrupt SH3BP2 protein function with a negative predictive value of 95%. Algorithms developed to predict the effect of sequence changes on RNA splicing suggest that this variant may create or strengthen a splice site. In summary, the available evidence is currently insufficient to determine the role of this variant in disease. Therefore, it has been classified as a Variant of Uncertain Significance.

NM_001122681.2(SH3BP2):c.1324G>T (p.Asp442Tyr)

Gene: SH3BP2 (SH3 domain binding protein 2; plus strand). Cytogenetic location: 4p16.3.
Variant type: single nucleotide variant.
Coding change: c.1324G>T on transcript NM_001122681.2 (MANE Select); coding-DNA position 1324, G replaced by T.
Protein change: p.Asp442Tyr; replaces aspartic acid 442 with tyrosine.
Molecular consequence: missense variant.
Genome position (GRCh38, 1-based): chr4:2,831,653, G>T. VCF-style: chr4-2831653-G-T. GRCh37 (hg19) VCF-style: chr4-2833380-G-T.
Other names: c.1408G>T, p.Asp470Tyr (NM_001145855.2); c.1495G>T, p.Asp499Tyr (NM_001145856.2); c.1324G>T, p.Asp442Tyr (NM_003023.4); short protein forms D442Y, D470Y, D499Y.
Identifiers: ClinVar variation 4799338 (VCV004799338.1).